The following is an entry in ClinVar:

ClinVar aggregate classification (germline): Uncertain significance (1 of 4 stars; one submission).

Allele frequency attached by ClinVar (database versions not stated): gnomAD exomes below 0.00001; TOPMed 0.00001; ExAC 0.00002; gnomAD 0.00005; 1000 Genomes Project 30x 0.00016; 1000 Genomes Project 0.00020.
gnomAD v4.1: 8 of 1,613,544 alleles (0.0005%); highest among the groups gnomAD compares: African/African-American, 0.0093%; no homozygotes.

Submission:

Ambry Genetics
Classification: Uncertain significance. Last evaluated: 2023-10-15. Review status: criteria provided, single submitter. Criteria: Ambry Variant Classification Scheme 2023. Collection method: clinical testing. Allele origin: germline.
Comment: The p.R77Q variant (also known as c.230G>A), located in coding exon 1 of the EGLN2 gene, results from a G to A substitution at nucleotide position 230. The arginine at codon 77 is replaced by glutamine, an amino acid with highly similar properties. This amino acid position is conserved. In addition, this alteration is predicted to be tolerated by in silico analysis. Since supporting evidence is limited at this time, the clinical significance of this alteration remains unclear.

NM_080732.4(EGLN2):c.230G>A (p.Arg77Gln)

Genes: EGLN2 (egl-9 family hypoxia inducible factor 2; plus strand), RAB4B-EGLN2 (RAB4B-EGLN2 readthrough (NMD candidate); plus strand). Cytogenetic location: 19q13.2.
Variant type: single nucleotide variant.
Coding change: c.230G>A on transcript NM_080732.4 (MANE Select); coding-DNA position 230, G replaced by A.
Protein change: p.Arg77Gln; replaces arginine 77 with glutamine.
Molecular consequence: missense variant. On other transcripts: non-coding transcript variant (1).
Genome position (GRCh38, 1-based): chr19:40,800,802, G>A. VCF-style: chr19-40800802-G-A. GRCh37 (hg19) VCF-style: chr19-41306707-G-A.
Other names: c.230G>A, p.Arg77Gln (NM_053046.4); short protein forms R77Q.
Identifiers: ClinVar variation 1789415 (VCV001789415.2), dbSNP rs541800008, ClinGen allele CA9452173.